The following is an entry in ClinVar:

ClinVar aggregate classification (germline): Likely benign. Review status: criteria provided, single submitter (1 of 4 stars). 2 submissions from 2 submitters: Likely benign (1). 1 of the submissions does not count toward it. Last evaluated 2022-11-01.

Conditions:
SP8-related disorder. Also called: SP8-related condition.

Submissions (2):

CeGaT Center for Human Genetics Tuebingen
Classification: Likely benign. Last evaluated: 2022-11-01. Review status: criteria provided, single submitter. Criteria: CeGaT Center For Human Genetics Tuebingen Variant Classification Criteria Version 2. Collection method: clinical testing. Allele origin: germline. Affected: yes. Observed: 2 variant alleles.
Comment: SP8: BP4, BP7

PreventionGenetics, part of Exact Sciences
Classification: Likely benign for SP8-related condition. Last evaluated: 2023-12-29. Review status: no assertion criteria provided. Collection method: clinical testing. Allele origin: germline. Not counted in ClinVar's aggregate classification.
Comment: This variant is classified as likely benign based on ACMG/AMP sequence variant interpretation guidelines (Richards et al. 2015 PMID: 25741868, with internal and published modifications).

NM_182700.6(SP8):c.288T>G (p.Ala96=)

Gene: SP8 (Sp8 transcription factor; minus strand). Cytogenetic location: 7p21.1.
Variant type: single nucleotide variant.
Coding change: c.288T>G on transcript NM_182700.6 (MANE Select); coding-DNA position 288, T replaced by G.
Protein change: p.Ala96=; no amino-acid change (alanine 96 retained).
Molecular consequence: synonymous variant.
Genome position (GRCh38, 1-based): chr7:20,785,529, A>C on the plus strand (T>G on the coding strand, the complement: SP8 is on the minus strand). VCF-style: chr7-20785529-A-C. GRCh37 (hg19) VCF-style: chr7-20825148-A-C.
Other names: c.288T>G (NM_182700.5); c.234T>G, p.Ala78= (NM_198956.4).
Identifiers: ClinVar variation 2657337 (VCV002657337.25), dbSNP rs9769412, ClinGen allele CA155011477.